The following is an entry in ClinVar:

ClinVar aggregate classification (germline): Uncertain significance (1 of 4 stars; one submission).

Submission:

GeneDx
Classification: Uncertain significance. Last evaluated: 2026-02-24. Review status: criteria provided, single submitter. Criteria: GeneDx Variant Classification Process June 2021. Collection method: clinical testing. Allele origin: germline.
Comment: Not observed at significant frequency in large population cohorts (gnomAD); In silico analysis supports that this missense variant has a deleterious effect on protein structure/function; Has not been previously published as pathogenic or benign to our knowledge

NM_052876.4(NACC1):c.1250G>A (p.Gly417Asp)

Gene: NACC1 (nucleus accumbens associated 1; plus strand). Cytogenetic location: 19p13.13.
Variant type: single nucleotide variant.
Coding change: c.1250G>A on transcript NM_052876.4 (MANE Select); coding-DNA position 1250, G replaced by A.
Protein change: p.Gly417Asp; replaces glycine 417 with aspartic acid.
Molecular consequence: missense variant.
Genome position (GRCh38, 1-based): chr19:13,137,501, G>A. VCF-style: chr19-13137501-G-A. GRCh37 (hg19) VCF-style: chr19-13248315-G-A.
Other names: short protein forms G417D.
Identifiers: ClinVar variation 4975098 (VCV004975098.1).